The following is an entry in ClinVar:

NM_021098.3(CACNA1H):c.4223+6G>T

Gene: CACNA1H (calcium voltage-gated channel subunit alpha1 H; plus strand). Cytogenetic location: 16p13.3.
Variant type: single nucleotide variant.
Coding change: c.4223+6G>T on transcript NM_021098.3 (MANE Select); 6 bases into the intron after coding-DNA position 4223, G replaced by T.
Molecular consequence: intron variant.
Genome position (GRCh38, 1-based): chr16:1,210,977, G>T. VCF-style: chr16-1210977-G-T. GRCh37 (hg19) VCF-style: chr16-1260977-G-T.
Other names: c.4223+6G>T (NM_001005407.2).
Identifiers: ClinVar variation 1442953 (VCV001442953.2), dbSNP rs1969373645, ClinGen allele CA2573151374.

ClinVar aggregate classification (germline): Uncertain significance (1 of 4 stars; one submission).

Conditions:
Hyperaldosteronism, familial, type IV (HALD4). Also called: FH IV; ALDOSTERONISM, PRIMARY, AND HYPERTENSION. Identifiers: Orphanet 642671, MedGen C4310756, MONDO:0014875, OMIM 617027.
Idiopathic generalized epilepsy. Also called: Generalised epilepsy; EIG. Identifiers: MedGen C0270850, MONDO:0005579, OMIM 600669.

gnomAD v4.1: 7 of 1,592,310 alleles (0.00044%); highest among the groups gnomAD compares: African/African-American, 0.004%; no homozygotes.

Submission:

Labcorp Genetics (formerly Invitae), Labcorp
Classification: Uncertain significance for Idiopathic generalized epilepsy; Hyperaldosteronism, familial, type IV. Last evaluated: 2025-12-25. Review status: criteria provided, single submitter. Criteria: Invitae Variant Classification Sherloc (09022015). Collection method: clinical testing. Allele origin: germline.
Comment: This sequence change falls in intron 21 of the CACNA1H gene. It does not directly change the encoded amino acid sequence of the CACNA1H protein. It affects a nucleotide within the consensus splice site. This variant is not present in population databases (gnomAD no frequency). This variant has not been reported in the literature in individuals affected with CACNA1H-related conditions. ClinVar contains an entry for this variant (Variation ID: 1442953). Variants that disrupt the consensus splice site are a relatively common cause of aberrant splicing (PMID: 17576681, 9536098). Algorithms developed to predict the effect of sequence changes on RNA splicing suggest that this variant is not likely to affect RNA splicing. In summary, the available evidence is currently insufficient to determine the role of this variant in disease. Therefore, it has been classified as a Variant of Uncertain Significance.

Literature cited by the submitters: PubMed 17576681; PubMed 9536098.